The following is an entry in ClinVar:

ClinVar aggregate classification (germline): Uncertain significance (1 of 4 stars; one submission).

Submission:

Labcorp Genetics (formerly Invitae), Labcorp
Classification: Uncertain significance. Last evaluated: 2022-09-01. Review status: criteria provided, single submitter. Criteria: Invitae Variant Classification Sherloc (09022015). Collection method: clinical testing. Allele origin: germline.
Comment: In summary, the available evidence is currently insufficient to determine the role of this variant in disease. Therefore, it has been classified as a Variant of Uncertain Significance. Algorithms developed to predict the effect of missense changes on protein structure and function output the following: SIFT: "Deleterious"; PolyPhen-2: "Benign"; Align-GVGD: "Class C0". The asparagine amino acid residue is found in multiple mammalian species, which suggests that this missense change does not adversely affect protein function. This variant has not been reported in the literature in individuals affected with CFH-related conditions. This variant is not present in population databases (gnomAD no frequency). This sequence change replaces aspartic acid, which is acidic and polar, with asparagine, which is neutral and polar, at codon 947 of the CFH protein (p.Asp947Asn).

NM_000186.4(CFH):c.2839G>A (p.Asp947Asn)

Gene: CFH (complement factor H; plus strand). Cytogenetic location: 1q31.3.
Variant type: single nucleotide variant.
Coding change: c.2839G>A on transcript NM_000186.4 (MANE Select); coding-DNA position 2839, G replaced by A.
Protein change: p.Asp947Asn; replaces aspartic acid 947 with asparagine.
Molecular consequence: missense variant.
Genome position (GRCh38, 1-based): chr1:196,740,675, G>A. VCF-style: chr1-196740675-G-A. GRCh37 (hg19) VCF-style: chr1-196709805-G-A.
Other names: short protein forms D947N.
Identifiers: ClinVar variation 1718581 (VCV001718581.5), dbSNP rs777588011, ClinGen allele CA343981048.